The following is an entry in ClinVar:

ClinVar aggregate classification (germline): Uncertain significance (1 of 4 stars; one submission).

Conditions:
Metachromatic leukodystrophy (MLD). Also called: ARSA DEFICIENCY; CEREBROSIDE SULFATASE DEFICIENCY; METACHROMATIC LEUKOENCEPHALOPATHY; Cerebral sclerosis diffuse metachromatic form; Arylsulfatase A Deficiency; SULFATIDE LIPIDOSIS. Identifiers: Orphanet 512, MedGen C0023522, MONDO:0018868, OMIM 250100.

Submission:

Laboratory of Experimental Gene Therapy of Hereditary Metabolic Diseases, Research Centre for Medical Genetics
Classification: Uncertain significance for Metachromatic leukodystrophy. Last evaluated: 2026-09-17. Review status: criteria provided, single submitter. Criteria: ARSA MLD Assertion Criteria V2 2026 09 18. Collection method: clinical testing. Allele origin: germline. Inheritance: Autosomal recessive inheritance. Observed: 2 variant alleles, 2 compound heterozygotes.
Comment: Reassessed under ACMG/AMP 2015 with ClinGen SVI refinements and a Bayesian point framework (supporting=1, moderate=2, strong=4, very strong=8; 6-9 points=likely pathogenic; >=10 points=pathogenic). Final score: 5. Evidence applied: PM2_Supporting, PP3_Strong. Observations from the present referral series were excluded from classification.

NM_000487.6(ARSA):c.748G>C (p.Gly250Arg)

Gene: ARSA (arylsulfatase A; minus strand). Cytogenetic location: 22q13.33.
Variant type: single nucleotide variant.
Coding change: c.748G>C on transcript NM_000487.6 (MANE Select); coding-DNA position 748, G replaced by C.
Protein change: p.Gly250Arg; replaces glycine 250 with arginine.
Molecular consequence: missense variant.
Genome position (GRCh38, 1-based): chr22:50,626,697, C>G on the plus strand (G>C on the coding strand, the complement: ARSA is on the minus strand). VCF-style: chr22-50626697-C-G. GRCh37 (hg19) VCF-style: chr22-51065125-C-G.
Other names: NP_000478.3:p.(Gly250Arg); c.748G>C, p.Gly250Arg (NM_001085425.3, NM_001085426.3, NM_001085427.3); c.490G>C, p.Gly164Arg (NM_001085428.3, NM_001362782.2); short protein forms G164R, G250R.
Identifiers: ClinVar variation 4850934 (VCV004850934.2).